The following is an entry in ClinVar:

ClinVar aggregate classification (germline): Benign (1 of 4 stars; one submission).

Allele frequency attached by ClinVar (database versions not stated): 1000 Genomes Project 30x 0.00422; 1000 Genomes Project 0.00499; ESP Exome Variant Server 0.00554; ExAC 0.00692.
gnomAD v4.1: 9,049 of 1,613,954 alleles (0.56%); highest among the groups gnomAD compares: South Asian, 1%; 60 homozygotes.

Submission:

CeGaT Center for Human Genetics Tuebingen
Classification: Benign. Last evaluated: 2023-06-01. Review status: criteria provided, single submitter. Criteria: CeGaT Center For Human Genetics Tuebingen Variant Classification Criteria Version 2. Collection method: clinical testing. Allele origin: germline. Affected: yes. Observed: 3 variant alleles.
Comment: NLRX1: BS1, BS2

NM_001282144.2(NLRX1):c.1639C>T (p.Arg547Trp)

Gene: NLRX1 (NLR family member X1; plus strand). Cytogenetic location: 11q23.3.
Variant type: single nucleotide variant.
Coding change: c.1639C>T on transcript NM_001282144.2 (MANE Select); coding-DNA position 1639, C replaced by T.
Protein change: p.Arg547Trp; replaces arginine 547 with tryptophan.
Molecular consequence: missense variant.
Genome position (GRCh38, 1-based): chr11:119,175,242, C>T. VCF-style: chr11-119175242-C-T. GRCh37 (hg19) VCF-style: chr11-119045951-C-T.
Other names: c.1639C>T, p.Arg547Trp (NM_001282358.2, NM_024618.4, NM_170722.2 and 1 more transcripts); short protein forms R547W.
Identifiers: ClinVar variation 2642459 (VCV002642459.24), dbSNP rs145779362, ClinGen allele CA6316948.
Genomic context (GRCh38, chr11:119,175,242, plus strand): 5'-GGCCGTGTTGGGGAGGACGTCAGCCTGGTACTGGGCATCATGGCCAAGCTGCTGCCTCTG[C>T]GGGCTCTGCCTCTGCTCTTCAACCTGATCAAGGTAACATCCCGATCAAGGTAACCCCCCA-3'
Protein context (NP_001269073.1, residues 537-557): LGIMAKLLPL[Arg547Trp]ALPLLFNLIK